The following is an entry in ClinVar:

NM_015665.6(AAAS):c.374A>G (p.His125Arg)

Gene: AAAS (aladin WD repeat nucleoporin; minus strand). Cytogenetic location: 12q13.13.
Variant type: single nucleotide variant.
Coding change: c.374A>G on transcript NM_015665.6 (MANE Select); coding-DNA position 374, A replaced by G.
Protein change: p.His125Arg; replaces histidine 125 with arginine.
Molecular consequence: missense variant.
Genome position (GRCh38, 1-based): chr12:53,315,360, T>C on the plus strand (A>G on the coding strand, the complement: AAAS is on the minus strand). VCF-style: chr12-53315360-T-C. GRCh37 (hg19) VCF-style: chr12-53709144-T-C.
Other names: p.His125Arg; c.374A>G, p.His125Arg (NM_001173466.2); short protein forms H125R.
Identifiers: ClinVar variation 4541719 (VCV004541719.1).
Genomic context (GRCh38, chr12:53,315,360, plus strand): 5'-CAAATGCAGAGGGCTGGGGAGGAAGCCAAACTTACAGACAGATGGGGGAACAGGGACCCA[T>C]GGAGGGAAGAGGCCCATCGACAGAGTGCCAGGGCCCAGCCGGATGCCGTCTTCACCCACT-3'
Protein context (NP_056480.1, residues 115-135): LALCRWASSL[His125Arg]GSLFPHLSLR

ClinVar aggregate classification (germline): Uncertain significance (1 of 4 stars; one submission).

Submission:

Mayo Clinic Laboratories, Mayo Clinic
Classification: Uncertain significance. Last evaluated: 2025-02-06. Review status: criteria provided, single submitter. Criteria: ACMG Guidelines, 2015. Collection method: clinical testing. Allele origin: germline. Observed: 1 variant allele.
Comment: PM2_supporting